The following is an entry in ClinVar:

ClinVar aggregate classification (germline): Uncertain significance (1 of 4 stars; one submission).

Conditions:
Inborn genetic diseases. Identifiers: MedGen C0950123, MeSH D030342.

Submission:

Ambry Genetics
Classification: Uncertain significance for Inborn genetic diseases. Last evaluated: 2025-06-08. Review status: criteria provided, single submitter. Criteria: Ambry Variant Classification Scheme 2023. Collection method: clinical testing. Allele origin: germline.
Comment: The p.T47P variant (also known as c.139A>C), located in coding exon 3 of the RECQL4 gene, results from an A to C substitution at nucleotide position 139. The threonine at codon 47 is replaced by proline, an amino acid with highly similar properties. This amino acid position is conserved. In addition, this alteration is predicted to be tolerated by in silico analysis. Based on the available evidence, the clinical significance of this variant remains unclear.

NM_004260.4(RECQL4):c.139A>C (p.Thr47Pro)

Genes: RECQL4 (RecQ like helicase 4; minus strand), LOC130001411 (ATAC-STARR-seq lymphoblastoid silent region 19699; plus strand). Cytogenetic location: 8q24.3.
Variant type: single nucleotide variant.
Coding change: c.139A>C on transcript NM_004260.4 (MANE Select); coding-DNA position 139, A replaced by C.
Protein change: p.Thr47Pro; replaces threonine 47 with proline.
Molecular consequence: missense variant. On other transcripts: 5 prime UTR variant (16), non-coding transcript variant (3), intron variant (2).
Genome position (GRCh38, 1-based): chr8:144,517,488, T>G on the plus strand (A>C on the coding strand, the complement: RECQL4 is on the minus strand). VCF-style: chr8-144517488-T-G. GRCh37 (hg19) VCF-style: chr8-145742872-T-G.
Other names: c.139A>C, p.Thr47Pro (NM_001413017.1, NM_001413018.1, NM_001413019.1 and 5 more transcripts); c.-582A>C (NM_001413021.1); c.-933A>C (NM_001413022.1, NM_001413023.1, NM_001413037.1 and 2 more transcripts); c.-830A>C (NM_001413024.1, NM_001413035.1); c.-995A>C (NM_001413027.1, NM_001413030.1, NM_001413031.1 and 1 more transcripts); c.-658A>C (NM_001413028.1); c.-892A>C (NM_001413032.1); c.-837A>C (NM_001413034.1); and 3 more; short protein forms T47P.
Identifiers: ClinVar variation 3944356 (VCV003944356.1).
Genomic context (GRCh38, chr8:144,517,488, plus strand): 5'-CGGGGAGCGACTCGGAGCTGCGGAGCCCGCCGCCGGCCTGGCCCGTGGTACGCTTCAGAG[T>G]GCGGTATTCCCGGTAGAGCGCTGCGTGGGCGAGCGGGAGGCGGGGTCAGGGTGGGGCCTG-3'
Protein context (NP_004251.4, residues 37-57): ETRALYREYR[Thr47Pro]LKRTTGQAGG